The following is an entry in ClinVar:

NC_000011.9:g.(118175492_118175608)_(118186889_?)del

Gene: CD3E (CD3 epsilon subunit of T-cell receptor complex; plus strand). Cytogenetic location: 11q23.3.
Variant type: Deletion.
Identifiers: ClinVar variation 4853024 (VCV004853024.1).

ClinVar aggregate classification (germline): Pathogenic (1 of 4 stars; one submission).

Conditions:
Immunodeficiency 18 (IMD18). Also called: CD3-EPSILON DEFICIENCY; CD3epsilon deficiency. Identifiers: MedGen C3810127, MONDO:0014278, OMIM 615615.

Submission:

Women's Health and Genetics/Laboratory Corporation of America, LabCorp
Classification: Pathogenic for Immunodeficiency 18. Last evaluated: 2026-05-18. Review status: criteria provided, single submitter. Criteria: LabCorp Variant Classification Summary - May 2015. Collection method: clinical testing. Allele origin: germline.
Comment: Variant summary: The variant involves the deletion of exons 2-9 in the CD3E gene. A presumed nomenclature of c.(-60+1_-59-1)_(*632_?)del has been designated for the purposes of this classification. This variant results in deletion of all coding sequence, including the exon 2 containing the initiation codon and exon 9 containing the termination codon. However, the exact breakpoint at the distal 3' end of this variant is unknown, therefore this deletion may extend downstream of the annotated region of the gene. This variant is expected to result in complete loss of function and Loss-of-function variants in this gene are known to be pathogenic. The variant was absent in 21694 control chromosomes. To our knowledge, no occurrence of c.(-60+1_-59-1)_(*632_?)del in individuals affected with CD3E-related conditions and no experimental evidence demonstrating its impact on protein function have been reported. No submitters have cited clinical-significance assessments for this variant to ClinVar. Based on the evidence outlined above, the variant was classified as pathogenic.